The following is an entry in ClinVar:

NM_001363.5(DKC1):c.1298A>G (p.Lys433Arg)

Gene: DKC1 (dyskerin pseudouridine synthase 1; plus strand). Cytogenetic location: Xq28.
Variant type: single nucleotide variant.
Coding change: c.1298A>G on transcript NM_001363.5 (MANE Select); coding-DNA position 1298, A replaced by G.
Protein change: p.Lys433Arg; replaces lysine 433 with arginine.
Molecular consequence: missense variant. On other transcripts: 3 prime UTR variant (1), non-coding transcript variant (3).
Genome position (GRCh38, 1-based): chrX:154,775,233, A>G. VCF-style: chrX-154775233-A-G. GRCh37 (hg19) VCF-style: chrX-154003508-A-G.
Other names: NC_000023.10:g.154003508A>G; c.1283A>G, p.Lys428Arg (NM_001142463.3); c.*524A>G (NM_001288747.2); short protein forms K428R, K433R.
Identifiers: ClinVar variation 2582133 (VCV002582133.2), dbSNP rs2071881685, ClinGen allele CA414898999.

ClinVar aggregate classification (germline): Uncertain significance (1 of 4 stars; one submission).

Allele frequency attached by ClinVar (database versions not stated): gnomAD 0.00001; TOPMed 0.00001.
gnomAD v4.1: 1 of 1,210,676 alleles (0.000083%); highest among the groups gnomAD compares: Non-Finnish European, 0.00011%; no homozygotes.

Submissions (2):

GeneDx
Classification: Uncertain significance. Last evaluated: 2023-03-29. Review status: criteria provided, single submitter. Criteria: GeneDx Variant Classification Process June 2021. Collection method: clinical testing. Allele origin: germline. Affected: yes.
Comment: Not observed at significant frequency in large population cohorts (gnomAD); In silico analysis supports that this missense variant does not alter protein structure/function; Has not been previously published as pathogenic or benign to our knowledge

Dr. Peter K. Rogan Lab, Western University
No classification provided (evidence only). Condition: Nonpapillary renal cell carcinoma. Review status: no classification provided. Collection method: in vitro. Allele origin: not applicable. Functional consequence: retained intron. Not counted in ClinVar's aggregate classification.